The following is an entry in ClinVar:

ClinVar aggregate classification (germline): Uncertain significance (1 of 4 stars; one submission).

Submission:

GeneDx
Classification: Uncertain significance. Last evaluated: 2025-03-20. Review status: criteria provided, single submitter. Criteria: GeneDx Variant Classification Process June 2021. Collection method: clinical testing. Allele origin: germline. Affected: yes.
Comment: Not observed at significant frequency in large population cohorts (gnomAD); In silico analysis supports that this missense variant has a deleterious effect on protein structure/function; Has not been previously published as pathogenic or benign to our knowledge; Also known as p.(G657E)

NM_000096.4(CP):c.1970G>A (p.Gly657Glu)

Gene: CP (ceruloplasmin; minus strand). Cytogenetic location: 3q24.
Variant type: single nucleotide variant.
Coding change: c.1970G>A on transcript NM_000096.4 (MANE Select); coding-DNA position 1970, G replaced by A.
Protein change: p.Gly657Glu; replaces glycine 657 with glutamic acid.
Molecular consequence: missense variant.
Genome position (GRCh38, 1-based): chr3:149,186,627, C>T on the plus strand (G>A on the coding strand, the complement: CP is on the minus strand). VCF-style: chr3-149186627-C-T. GRCh37 (hg19) VCF-style: chr3-148904414-C-T.
Other names: short protein forms G657E.
Identifiers: ClinVar variation 4086764 (VCV004086764.1).